The following is an entry in ClinVar:

ClinVar aggregate classification (germline): Uncertain significance (1 of 4 stars; one submission).

Conditions:
Pheochromocytoma/paraganglioma syndrome 5. Also called: Paragangliomas 5; SDHA-Related Hereditary Paraganglioma-Pheochromocytoma Syndrome. Identifiers: Orphanet 29072, MedGen C3279992, MONDO:0013602, OMIM 614165.
Mitochondrial complex II deficiency, nuclear type 1. Also called: SUCCINATE CoQ REDUCTASE DEFICIENCY. Identifiers: Orphanet 3208, MedGen C5700310, MONDO:0100294, OMIM 252011.

Submission:

Labcorp Genetics (formerly Invitae), Labcorp
Classification: Uncertain significance for Pheochromocytoma/paraganglioma syndrome 5; Mitochondrial complex II deficiency, nuclear type 1. Last evaluated: 2022-08-14. Review status: criteria provided, single submitter. Criteria: Invitae Variant Classification Sherloc (09022015). Collection method: clinical testing. Allele origin: germline.
Comment: Variants that disrupt the consensus splice site are a relatively common cause of aberrant splicing (PMID: 17576681, 9536098). Algorithms developed to predict the effect of sequence changes on RNA splicing suggest that this variant is not likely to affect RNA splicing. This variant has not been reported in the literature in individuals affected with SDHA-related conditions. This variant is not present in population databases (gnomAD no frequency). This sequence change falls in intron 6 of the SDHA gene. It does not directly change the encoded amino acid sequence of the SDHA protein. It affects a nucleotide within the consensus splice site. In summary, the available evidence is currently insufficient to determine the role of this variant in disease. Therefore, it has been classified as a Variant of Uncertain Significance.

Literature cited by the submitters: PubMed 17576681; PubMed 9536098.

NM_004168.4(SDHA):c.770+3A>G

Gene: SDHA (succinate dehydrogenase complex flavoprotein subunit A; plus strand). Cytogenetic location: 5p15.33.
Variant type: single nucleotide variant.
Coding change: c.770+3A>G on transcript NM_004168.4 (MANE Select); 3 bases into the intron after coding-DNA position 770, A replaced by G.
Molecular consequence: intron variant.
Genome position (GRCh38, 1-based): chr5:228,336, A>G. VCF-style: chr5-228336-A-G. GRCh37 (hg19) VCF-style: chr5-228451-A-G.
Other names: c.770+3A>G (NM_001330758.2); c.626+3A>G (NM_001294332.2).
Identifiers: ClinVar variation 2024164 (VCV002024164.4), dbSNP rs2477317915, ClinGen allele CA2580073083.
Genomic context (GRCh38, chr5:228,336, plus strand): 5'-GCATAGAGGACGGGTCCATCCATCGCATAAGAGCAAAGAACACTGTTGTTGCCACAGGGT[A>G]GGAATCTCATTTCTACTTTATTTTGTTTATAAAAATGAATAAATTTCATTTAGAGTTTCT-3'